The following is an entry in ClinVar:

ClinVar aggregate classification (germline): Uncertain significance. Review status: criteria provided, multiple submitters, no conflicts (2 of 4 stars). 2 submissions from 2 submitters: Uncertain significance (2). Last evaluated 2024-10-04.

Conditions:
Intellectual developmental disorder with autism and macrocephaly. Also called: CHD8-Related Neurodevelopmental Disorder with Overgrowth; Autism, susceptibility to, 18. Identifiers: Orphanet 642675, MedGen C3554373, MONDO:0014017, OMIM 615032.

Submissions (2):

Labcorp Genetics (formerly Invitae), Labcorp
Classification: Uncertain significance. Last evaluated: 2024-10-04. Review status: criteria provided, single submitter. Criteria: Invitae Variant Classification Sherloc (09022015). Collection method: clinical testing. Allele origin: germline.
Comment: This sequence change replaces aspartic acid, which is acidic and polar, with glycine, which is neutral and non-polar, at codon 1463 of the CHD8 protein (p.Asp1463Gly). This variant is not present in population databases (gnomAD no frequency). This variant has not been reported in the literature in individuals affected with CHD8-related conditions. Invitae Evidence Modeling of protein sequence and biophysical properties (such as structural, functional, and spatial information, amino acid conservation, physicochemical variation, residue mobility, and thermodynamic stability) indicates that this missense variant is not expected to disrupt CHD8 protein function with a negative predictive value of 95%. In summary, the available evidence is currently insufficient to determine the role of this variant in disease. Therefore, it has been classified as a Variant of Uncertain Significance.

3billion
Classification: Uncertain significance for Intellectual developmental disorder with autism and macrocephaly. Last evaluated: 2023-08-28. Review status: criteria provided, single submitter. Criteria: ACMG Guidelines, 2015. Collection method: clinical testing. Allele origin: germline. Affected: yes.
Comment: The variant is not observed in the gnomAD v2.1.1 dataset. Predicted Consequence/Location: Missense variant In silico tool predictions suggest damaging effect of the variant on gene or gene product [REVEL: 0.87 (>=0.6, sensitivity 0.68 and specificity 0.92); 3Cnet: 0.30 (>=0.6, sensitivity 0.72 and precision 0.9)]. Therefore, this variant is classified as VUS according to the recommendation of ACMG/AMP guideline.

NM_001170629.2(CHD8):c.4388A>G (p.Asp1463Gly)

Gene: CHD8 (chromodomain helicase DNA binding protein 8; minus strand). Cytogenetic location: 14q11.2.
Variant type: single nucleotide variant.
Coding change: c.4388A>G on transcript NM_001170629.2 (MANE Select); coding-DNA position 4388, A replaced by G.
Protein change: p.Asp1463Gly; replaces aspartic acid 1463 with glycine.
Molecular consequence: missense variant.
Genome position (GRCh38, 1-based): chr14:21,400,595, T>C on the plus strand (A>G on the coding strand, the complement: CHD8 is on the minus strand). VCF-style: chr14-21400595-T-C. GRCh37 (hg19) VCF-style: chr14-21868754-T-C.
Other names: c.3551A>G, p.Asp1184Gly (NM_020920.4); short protein forms D1184G, D1463G.
Identifiers: ClinVar variation 3720310 (VCV003720310.3).